The following is an entry in ClinVar:

NM_005732.4(RAD50):c.1424T>C (p.Leu475Pro)

Gene: RAD50 (RAD50 double strand break repair protein; plus strand). Cytogenetic location: 5q31.1.
Variant type: single nucleotide variant.
Coding change: c.1424T>C on transcript NM_005732.4 (MANE Select); coding-DNA position 1424, T replaced by C.
Protein change: p.Leu475Pro; replaces leucine 475 with proline.
Molecular consequence: missense variant.
Genome position (GRCh38, 1-based): chr5:132,589,809, T>C. VCF-style: chr5-132589809-T-C. GRCh37 (hg19) VCF-style: chr5-131925501-T-C.
Other names: short protein forms L475P.
Identifiers: ClinVar variation 1479535 (VCV001479535.10), dbSNP rs2149841576, ClinGen allele CA360944846.
Genomic context (GRCh38, chr5:132,589,809, plus strand): 5'-ATGAGCTGAAAAATGTGAAGTATGAATTACAGCAGTTGGAAGGATCTTCAGACAGGATTC[T>C]TGAACTGGACCAGGAGCTCATAAAAGCTGTAAGATATTGTTTGAATAATCTAATAATTTT-3'
Protein context (NP_005723.2, residues 465-485): QQLEGSSDRI[Leu475Pro]ELDQELIKAE

ClinVar aggregate classification (germline): Uncertain significance. Review status: criteria provided, multiple submitters, no conflicts (2 of 4 stars). 2 submissions from 2 submitters: Uncertain significance (2). Last evaluated 2022-03-10.

Conditions:
Hereditary cancer-predisposing syndrome. Also called: Tumor predisposition; Hereditary Cancer Syndrome; Hereditary neoplastic syndrome; Neoplastic Syndromes, Hereditary. Identifiers: Orphanet 140162, MedGen C0027672, MeSH D009386, MONDO:0015356.

Submissions (2):

Labcorp Genetics (formerly Invitae), Labcorp
Classification: Uncertain significance for Hereditary cancer-predisposing syndrome. Last evaluated: 2022-03-10. Review status: criteria provided, single submitter. Criteria: Invitae Variant Classification Sherloc (09022015). Collection method: clinical testing. Allele origin: germline.
Comment: In summary, the available evidence is currently insufficient to determine the role of this variant in disease. Therefore, it has been classified as a Variant of Uncertain Significance. Algorithms developed to predict the effect of missense changes on protein structure and function (SIFT, PolyPhen-2, Align-GVGD) all suggest that this variant is likely to be tolerated. This variant has not been reported in the literature in individuals affected with RAD50-related conditions. This variant is not present in population databases (gnomAD no frequency). This sequence change replaces leucine, which is neutral and non-polar, with proline, which is neutral and non-polar, at codon 475 of the RAD50 protein (p.Leu475Pro).

Ambry Genetics
Classification: Uncertain significance for Hereditary cancer-predisposing syndrome. Last evaluated: 2020-09-29. Review status: criteria provided, single submitter. Criteria: Ambry Variant Classification Scheme 2023. Collection method: clinical testing. Allele origin: germline.
Comment: The p.L475P variant (also known as c.1424T>C), located in coding exon 9 of the RAD50 gene, results from a T to C substitution at nucleotide position 1424. The leucine at codon 475 is replaced by proline, an amino acid with similar properties. This amino acid position is not well conserved in available vertebrate species. In addition, this alteration is predicted to be tolerated by in silico analysis. Since supporting evidence is limited at this time, the clinical significance of this alteration remains unclear.